The following is an entry in ClinVar:

ClinVar aggregate classification (germline): Benign/Likely benign. Review status: criteria provided, multiple submitters, no conflicts (2 of 4 stars). 5 submissions from 5 submitters: Benign (1); Likely benign (4). Last evaluated 2026-09-01.

Allele frequency attached by ClinVar (database versions not stated): 1000 Genomes Project 30x 0.00016; 1000 Genomes Project 0.00020; ExAC 0.00077; gnomAD exomes 0.00081 and 0.00170; TOPMed 0.00093; gnomAD 0.00096 and 0.00100; ESP Exome Variant Server 0.00154.
gnomAD v4.1: 2,665 of 1,614,202 alleles (0.17%); highest among the groups gnomAD compares: Non-Finnish European, 0.21%; 7 homozygotes.

Submissions (5):

CeGaT Center for Human Genetics Tuebingen
Classification: Likely benign. Last evaluated: 2026-09-01. Review status: criteria provided, single submitter. Criteria: CeGaT Center For Human Genetics Tuebingen Variant Classification Criteria Version 2. Collection method: clinical testing. Allele origin: germline. Affected: yes. Observed: 6 variant alleles.
Comment: CENPF: BP4, BP7

Labcorp Genetics (formerly Invitae), Labcorp
Classification: Benign. Last evaluated: 2025-12-02. Review status: criteria provided, single submitter. Criteria: Invitae Variant Classification Sherloc (09022015). Collection method: clinical testing. Allele origin: germline.

Laboratory of Genetics, Children's Clinical University Hospital Latvia
Classification: Likely benign. Last evaluated: 2025-02-16. Review status: criteria provided, single submitter. Criteria: ACMG Guidelines, 2015. Collection method: clinical testing. Allele origin: germline. Affected: yes.

Blueprint Genetics
Classification: Likely benign. Last evaluated: 2024-11-13. Review status: criteria provided, single submitter. Criteria: ACMG Guidelines, 2015. Collection method: clinical testing. Allele origin: germline.

GeneDx
Classification: Likely benign. Last evaluated: 2019-11-25. Review status: criteria provided, single submitter. Criteria: GeneDx Variant Classification Process June 2021. Collection method: clinical testing. Allele origin: germline. Affected: yes.

NM_016343.4(CENPF):c.8736A>C (p.Pro2912=)

Gene: CENPF (centromere protein F; plus strand). Cytogenetic location: 1q41.
Variant type: single nucleotide variant.
Coding change: c.8736A>C on transcript NM_016343.4 (MANE Select); coding-DNA position 8736, A replaced by C.
Protein change: p.Pro2912=; no amino-acid change (proline 2912 retained).
Molecular consequence: synonymous variant.
Genome position (GRCh38, 1-based): chr1:214,657,183, A>C. VCF-style: chr1-214657183-A-C. GRCh37 (hg19) VCF-style: chr1-214830526-A-C.
Identifiers: ClinVar variation 715757 (VCV000715757.38), dbSNP rs140887866, ClinGen allele CA1391484.